The following is an entry in ClinVar:

NM_201384.3(PLEC):c.4583C>T (p.Ala1528Val)

Gene: PLEC (plectin; minus strand). Cytogenetic location: 8q24.3.
Variant type: single nucleotide variant.
Coding change: c.4583C>T on transcript NM_201384.3 (MANE Select); coding-DNA position 4583, C replaced by T.
Protein change: p.Ala1528Val; replaces alanine 1528 with valine.
Molecular consequence: missense variant.
Genome position (GRCh38, 1-based): chr8:143,925,346, G>A on the plus strand (C>T on the coding strand, the complement: PLEC is on the minus strand). VCF-style: chr8-143925346-G-A. GRCh37 (hg19) VCF-style: chr8-144999514-G-A.
Other names: c.4664C>T, p.Ala1555Val (NM_000445.5); c.4541C>T, p.Ala1514Val (NM_201378.4); c.4517C>T, p.Ala1506Val (NM_201379.3); c.4994C>T, p.Ala1665Val (NM_201380.4); c.4487C>T, p.Ala1496Val (NM_201381.3); c.4583C>T, p.Ala1528Val (NM_201382.4); c.4595C>T, p.Ala1532Val (NM_201383.3); c.4664C>T (NM_000445.3); short protein forms A1514V, A1496V, A1532V, A1665V, A1506V, A1528V, A1555V.
Identifiers: ClinVar variation 471591 (VCV000471591.12), dbSNP rs532681952, ClinGen allele CA4926610.

ClinVar aggregate classification (germline): Uncertain significance. Review status: criteria provided, multiple submitters, no conflicts (2 of 4 stars). 3 submissions from 3 submitters: Uncertain significance (3). Last evaluated 2022-03-20.

Conditions:
Epidermolysis bullosa simplex with nail dystrophy (EBS5D). Identifiers: MedGen C4225309, MONDO:0014661, OMIM 616487.
Epidermolysis bullosa simplex, Ogna type (EBS5A). Also called: Pidermolysis bullosa simplex 5A, Ogna type; EPIDERMOLYSIS BULLOSA SIMPLEX 5A, OGNA TYPE. Identifiers: Orphanet 79401, MedGen C0432317, MONDO:0007555, OMIM 131950.
Autosomal recessive limb-girdle muscular dystrophy type 2Q (LGMDR17). Also called: MUSCULAR DYSTROPHY, LIMB-GIRDLE, AUTOSOMAL RECESSIVE 17. Identifiers: Orphanet 254361, MedGen C3150989, MONDO:0013390, OMIM 613723.
Epidermolysis bullosa simplex 5C, with pyloric atresia (EBS5C). Also called: PLEC-Related Epidermolysis Bullosa with Pyloric Atresia; Epidermolysis bullosa simplex with pyloric atresia; PLEC1-Related Epidermolysis Bullosa with Pyloric Atresia. Identifiers: Orphanet 158684, MedGen C2677349, MONDO:0012807, OMIM 612138.
Epidermolysis bullosa simplex 5B, with muscular dystrophy (EBS5B). Also called: EPIDERMOLYSIS BULLOSA SIMPLEX AND LIMB-GIRDLE MUSCULAR DYSTROPHY; Epidermolysis bullosa simplex with muscular dystrophy. Identifiers: Orphanet 257, MedGen C2931072, MONDO:0009181, OMIM 226670.

Allele frequency attached by ClinVar (database versions not stated): ExAC below 0.00001; gnomAD 0.00001; TOPMed 0.00001; gnomAD exomes 0.00002; 1000 Genomes Project 30x 0.00016; 1000 Genomes Project 0.00020.
gnomAD v4.1: 17 of 1,549,708 alleles (0.0011%); highest among the groups gnomAD compares: South Asian, 0.0058%; no homozygotes.

Submissions (3):

Labcorp Genetics (formerly Invitae), Labcorp
Classification: Uncertain significance for Autosomal recessive limb-girdle muscular dystrophy type 2Q; Epidermolysis bullosa simplex, Ogna type; Epidermolysis bullosa simplex with nail dystrophy; Epidermolysis bullosa simplex 5C, with pyloric atresia; Epidermolysis bullosa simplex 5B, with muscular dystrophy. Last evaluated: 2022-03-20. Review status: criteria provided, single submitter. Criteria: Invitae Variant Classification Sherloc (09022015). Collection method: clinical testing. Allele origin: germline.
Comment: In summary, the available evidence is currently insufficient to determine the role of this variant in disease. Therefore, it has been classified as a Variant of Uncertain Significance. Algorithms developed to predict the effect of sequence changes on RNA splicing suggest that this variant may create or strengthen a splice site. Algorithms developed to predict the effect of missense changes on protein structure and function are either unavailable or do not agree on the potential impact of this missense change (SIFT: "Deleterious"; PolyPhen-2: "Not Available"; Align-GVGD: "Class C55"). ClinVar contains an entry for this variant (Variation ID: 471591). This variant has not been reported in the literature in individuals affected with PLEC-related conditions. The frequency data for this variant in the population databases is considered unreliable, as metrics indicate poor data quality at this position in the gnomAD database. This sequence change replaces alanine, which is neutral and non-polar, with valine, which is neutral and non-polar, at codon 1555 of the PLEC protein (p.Ala1555Val).

Revvity Omics, Revvity
Classification: Uncertain significance. Last evaluated: 2020-06-16. Review status: criteria provided, single submitter. Criteria: ACMG Guidelines, 2015. Collection method: clinical testing. Allele origin: germline.

Eurofins Ntd Llc (ga)
Classification: Uncertain significance. Last evaluated: 2016-10-18. Review status: criteria provided, single submitter. Criteria: EGL Classification Definitions 2015. Collection method: clinical testing. Allele origin: germline. Observed: 1 variant allele, 1 heterozygote.